The following is an entry in ClinVar:

NM_000277.3(PAH):c.978G>A (p.Trp326Ter)

Gene: PAH (phenylalanine hydroxylase; minus strand). Cytogenetic location: 12q23.2.
Variant type: single nucleotide variant.
Coding change: c.978G>A on transcript NM_000277.3 (MANE Select); coding-DNA position 978, G replaced by A.
Protein change: p.Trp326Ter; replaces tryptophan 326 with a stop codon.
Molecular consequence: nonsense.
Genome position (GRCh38, 1-based): chr12:102,844,423, C>T on the plus strand (G>A on the coding strand, the complement: PAH is on the minus strand). VCF-style: chr12-102844423-C-T. GRCh37 (hg19) VCF-style: chr12-103238201-C-T.
Other names: c.978G>A, p.Trp326Ter (NM_001354304.2); short protein forms W326*.
Identifiers: ClinVar variation 439229 (VCV000439229.3), dbSNP rs1555203761, ClinGen allele CA386493515.

ClinVar aggregate classification (germline): Pathogenic. Review status: criteria provided, multiple submitters, no conflicts (2 of 4 stars). 2 submissions from 2 submitters: Pathogenic (2). Last evaluated 2024-05-08.

Conditions:
Phenylketonuria (PKU). Also called: Phenylketonuria (PKU); FOLLING DISEASE; OLIGOPHRENIA PHENYLPYRUVICA; Phenylketonurias. Identifiers: Orphanet 716, MedGen C0031485, MONDO:0009861, OMIM 261600. Disease mechanism: loss of function.

Submissions (2):

Myriad Genetics, Inc.
Classification: Pathogenic for Phenylketonuria. Last evaluated: 2024-05-08. Review status: criteria provided, single submitter. Criteria: Myriad Autosomal Dominant, Autosomal Recessive and X-Linked Classification Criteria (2023). Collection method: clinical testing. Allele origin: unknown.
Comment: NM_000277.1(PAH):c.978G>A(W326*) is expected to be pathogenic in the context of phenylalanine hydroxylase deficiency. This variant is predicted to lead to an abnormal or absent protein product due to the creation of a premature termination codon in PAH, a gene where loss-of-function variants are known to be pathogenic. Please note: this variant was assessed in the context of healthy population screening.

Quest Diagnostics Nichols Institute San Juan Capistrano
Classification: Pathogenic. Last evaluated: 2016-10-21. Review status: criteria provided, single submitter. Criteria: Quest Diagnostics criteria. Collection method: clinical testing. Allele origin: germline.

Literature cited by the submitters: PubMed 8051931 (cited by Quest Diagnostics Nichols Institute San Juan Capistrano); PubMed 1349576 (cited by Quest Diagnostics Nichols Institute San Juan Capistrano); PubMed 11747434 (cited by Quest Diagnostics Nichols Institute San Juan Capistrano).